The following is an entry in ClinVar:

NM_020911.2(PLXNA4):c.3337G>A (p.Glu1113Lys)

Gene: PLXNA4 (plexin A4; minus strand). Cytogenetic location: 7q32.3.
Variant type: single nucleotide variant.
Coding change: c.3337G>A on transcript NM_020911.2 (MANE Select); coding-DNA position 3337, G replaced by A.
Protein change: p.Glu1113Lys; replaces glutamic acid 1113 with lysine.
Molecular consequence: missense variant.
Genome position (GRCh38, 1-based): chr7:132,181,536, C>T on the plus strand (G>A on the coding strand, the complement: PLXNA4 is on the minus strand). VCF-style: chr7-132181536-C-T. GRCh37 (hg19) VCF-style: chr7-131866295-C-T.
Other names: c.3337G>A, p.Glu1113Lys (NM_001393897.1); short protein forms E1113K.
Identifiers: ClinVar variation 2634707 (VCV002634707.2), dbSNP rs200749903, ClinGen allele CA4489515.

ClinVar aggregate classification (germline): Uncertain significance (1 of 4 stars; one submission).

Conditions:
PLXNA4-related disorder. Also called: PLXNA4-related condition.

Allele frequency attached by ClinVar (database versions not stated): ExAC 0.00001; gnomAD exomes 0.00002; gnomAD 0.00003; TOPMed 0.00003; 1000 Genomes Project 0.00020; 1000 Genomes Project 30x 0.00031.
gnomAD v4.1: 35 of 1,614,176 alleles (0.0022%); highest among the groups gnomAD compares: Middle Eastern, 0.016%; no homozygotes.

Submission:

PreventionGenetics, part of Exact Sciences
Classification: Uncertain significance for PLXNA4-related condition. Last evaluated: 2026-02-09. Review status: criteria provided, single submitter. Criteria: ACMG Guidelines, 2015. Collection method: clinical testing. Allele origin: germline.
Comment: The PLXNA4 c.3337G>A variant is predicted to result in the amino acid substitution p.Glu1113Lys. To our knowledge, this variant has not been reported in the literature. This variant is reported in 0.0033% of alleles in individuals of South Asian descent in gnomAD. At this time, the clinical significance of this variant is uncertain due to the absence of conclusive functional and genetic evidence.